The following is an entry in ClinVar:

NM_005360.5(MAF):c.320G>C (p.Gly107Ala)

Gene: MAF (MAF bZIP transcription factor; minus strand). Cytogenetic location: 16q23.2.
Variant type: single nucleotide variant.
Coding change: c.320G>C on transcript NM_005360.5 (MANE Select); coding-DNA position 320, G replaced by C.
Protein change: p.Gly107Ala; replaces glycine 107 with alanine.
Molecular consequence: missense variant.
Genome position (GRCh38, 1-based): chr16:79,599,583, C>G on the plus strand (G>C on the coding strand, the complement: MAF is on the minus strand). VCF-style: chr16-79599583-C-G. GRCh37 (hg19) VCF-style: chr16-79633480-C-G.
Other names: c.320G>C, p.Gly107Ala (NM_001031804.3); short protein forms G107A.
Identifiers: ClinVar variation 4790601 (VCV004790601.1).

ClinVar aggregate classification (germline): Uncertain significance (1 of 4 stars; one submission).

Conditions:
Cataract 21 multiple types. Also called: CATARACT 21, MULTIPLE TYPES, WITH OR WITHOUT MICROCORNEA; CATARACT 21, CERULEAN, WITH OR WITHOUT MICROCORNEA; CATARACT 21, MULTIPLE TYPES, WITH MICROCORNEA; Cataract, congenital, cerulean type, 4. Identifiers: Orphanet 91492, MedGen C1857768, MONDO:0012437, OMIM 610202.
Ayme-Gripp syndrome. Also called: Aymé-Gripp Syndrome. Identifiers: MedGen C1832812, MONDO:0010992, OMIM 601088.

gnomAD v4.1: 6 of 1,605,448 alleles (0.00037%); highest among the groups gnomAD compares: Non-Finnish European, 0.00051%; no homozygotes.

Submission:

Labcorp Genetics (formerly Invitae), Labcorp
Classification: Uncertain significance for Cataract 21 multiple types; Ayme-Gripp syndrome. Last evaluated: 2025-08-22. Review status: criteria provided, single submitter. Criteria: Invitae Variant Classification Sherloc (09022015). Collection method: clinical testing. Allele origin: germline.
Comment: This sequence change replaces glycine, which is neutral and non-polar, with alanine, which is neutral and non-polar, at codon 107 of the MAF protein (p.Gly107Ala). This variant is present in population databases (rs11549798, gnomAD 0.002%). This variant has not been reported in the literature in individuals affected with MAF-related conditions. Invitae Evidence Modeling of protein sequence and biophysical properties (such as structural, functional, and spatial information, amino acid conservation, physicochemical variation, residue mobility, and thermodynamic stability) indicates that this missense variant is not expected to disrupt MAF protein function with a negative predictive value of 80%. In summary, the available evidence is currently insufficient to determine the role of this variant in disease. Therefore, it has been classified as a Variant of Uncertain Significance.